The following is an entry in ClinVar:

ClinVar aggregate classification (germline): Uncertain significance. Review status: criteria provided, multiple submitters, no conflicts (2 of 4 stars). 2 submissions from 2 submitters: Uncertain significance (2). Last evaluated 2025-05-08.

Conditions:
Tuberous sclerosis 2 (TSC2). Identifiers: Orphanet 805, MedGen C1860707, MONDO:0013199, OMIM 613254.
Hereditary cancer-predisposing syndrome. Also called: Neoplastic Syndromes, Hereditary; Hereditary neoplastic syndrome; Tumor predisposition; Hereditary Cancer Syndrome. Identifiers: Orphanet 140162, MedGen C0027672, MeSH D009386, MONDO:0015356.

gnomAD v4.1: 23 of 1,613,698 alleles (0.0014%); highest among the groups gnomAD compares: Non-Finnish European, 0.0019%; no homozygotes.

Submissions (2):

Ambry Genetics
Classification: Uncertain significance for Hereditary cancer-predisposing syndrome. Last evaluated: 2025-05-08. Review status: criteria provided, single submitter. Criteria: Ambry Variant Classification Scheme 2023. Collection method: clinical testing. Allele origin: germline.
Comment: The p.I58V variant (also known as c.172A>G), located in coding exon 2 of the TSC2 gene, results from an A to G substitution at nucleotide position 172. The isoleucine at codon 58 is replaced by valine, an amino acid with highly similar properties. This amino acid position is well conserved in available vertebrate species. In addition, the in silico prediction for this alteration is inconclusive. Based on the available evidence, the clinical significance of this variant remains unclear.

Labcorp Genetics (formerly Invitae), Labcorp
Classification: Uncertain significance for Tuberous sclerosis 2. Last evaluated: 2024-10-20. Review status: criteria provided, single submitter. Criteria: Invitae Variant Classification Sherloc (09022015). Collection method: clinical testing. Allele origin: germline.
Comment: This sequence change replaces isoleucine, which is neutral and non-polar, with valine, which is neutral and non-polar, at codon 58 of the TSC2 protein (p.Ile58Val). This variant is not present in population databases (gnomAD no frequency). This variant has not been reported in the literature in individuals affected with TSC2-related conditions. ClinVar contains an entry for this variant (Variation ID: 834857). Invitae Evidence Modeling of protein sequence and biophysical properties (such as structural, functional, and spatial information, amino acid conservation, physicochemical variation, residue mobility, and thermodynamic stability) indicates that this missense variant is not expected to disrupt TSC2 protein function with a negative predictive value of 95%. In summary, the available evidence is currently insufficient to determine the role of this variant in disease. Therefore, it has been classified as a Variant of Uncertain Significance.

NM_000548.5(TSC2):c.172A>G (p.Ile58Val)

Gene: TSC2 (TSC complex subunit 2; plus strand). Cytogenetic location: 16p13.3.
Variant type: single nucleotide variant.
Coding change: c.172A>G on transcript NM_000548.5 (MANE Select); coding-DNA position 172, A replaced by G.
Protein change: p.Ile58Val; replaces isoleucine 58 with valine.
Molecular consequence: missense variant. On other transcripts: 5 prime UTR variant (1).
Genome position (GRCh38, 1-based): chr16:2,050,433, A>G. VCF-style: chr16-2050433-A-G. GRCh37 (hg19) VCF-style: chr16-2100434-A-G.
Other names: c.172A>G, p.Ile58Val (NM_001077183.3, NM_001114382.3, NM_001318827.2 and 4 more transcripts); c.25A>G, p.Ile9Val (NM_001318829.2); c.-55A>G (NM_001318831.2); c.205A>G, p.Ile69Val (NM_001318832.2); short protein forms I58V, I9V, I69V.
Identifiers: ClinVar variation 834857 (VCV000834857.9), dbSNP rs2084960700, ClinGen allele CA394303271.